The following is an entry in ClinVar:

NM_002488.5(NDUFA2):c.28G>A (p.Val10Ile)

Genes: NDUFA2 (NADH:ubiquinone oxidoreductase subunit A2; minus strand), TMCO6 (transmembrane and coiled-coil domains 6; plus strand). Cytogenetic location: 5q31.3.
Variant type: single nucleotide variant.
Coding change: c.28G>A on transcript NM_002488.5 (MANE Select); coding-DNA position 28, G replaced by A.
Protein change: p.Val10Ile; replaces valine 10 with isoleucine.
Molecular consequence: missense variant. On other transcripts: non-coding transcript variant (1).
Genome position (GRCh38, 1-based): chr5:140,647,556, C>T on the plus strand (G>A on the coding strand, the complement: NDUFA2 is on the minus strand). VCF-style: chr5-140647556-C-T. GRCh37 (hg19) VCF-style: chr5-140027141-C-T.
Other names: c.28G>A, p.Val10Ile (NM_001185012.2); short protein forms V10I.
Identifiers: ClinVar variation 1203505 (VCV001203505.3), dbSNP rs1360989040, ClinGen allele CA361216844.

ClinVar aggregate classification (germline): Uncertain significance (1 of 4 stars; one submission).

Allele frequency attached by ClinVar (database versions not stated): gnomAD 0.00001; gnomAD exomes 0.00001; TOPMed 0.00001.
gnomAD v4.1: 8 of 1,611,648 alleles (0.0005%); highest among the groups gnomAD compares: Non-Finnish European, 0.00059%; no homozygotes.

Submission:

GeneDx
Classification: Uncertain significance. Last evaluated: 2021-06-24. Review status: criteria provided, single submitter. Criteria: GeneDx Variant Classification Process June 2021. Collection method: clinical testing. Allele origin: germline. Affected: yes.
Comment: Has not been previously published as pathogenic or benign to our knowledge; Not observed at significant frequency in large population cohorts (Lek et al., 2016); In silico analysis supports that this missense variant does not alter protein structure/function; This variant is associated with the following publications: (PMID: 27535533)